The following is an entry in ClinVar:

ClinVar aggregate classification (germline): Uncertain significance. Review status: criteria provided, multiple submitters, no conflicts (2 of 4 stars). 2 submissions from 2 submitters: Uncertain significance (2). Last evaluated 2023-09-25.

Conditions:
ABCB11-related disorder. Also called: ABCB11-related condition.
Progressive familial intrahepatic cholestasis type 2. Identifiers: Orphanet 79304, MedGen C3489789, MONDO:0011156, OMIM 601847.

Allele frequency attached by ClinVar (database versions not stated): gnomAD 0.00001; ExAC 0.00002; TOPMed 0.00002; gnomAD exomes 0.00003 and 0.00005; ESP Exome Variant Server 0.00008.
gnomAD v4.1: 43 of 1,611,110 alleles (0.0027%); highest among the groups gnomAD compares: Non-Finnish European, 0.0014%; no homozygotes.

Submissions (2):

PreventionGenetics, part of Exact Sciences
Classification: Uncertain significance for ABCB11-related condition. Last evaluated: 2023-09-25. Review status: criteria provided, single submitter. Criteria: ACMG Guidelines, 2015. Collection method: clinical testing. Allele origin: germline.
Comment: The ABCB11 c.2228G>C variant is predicted to result in the amino acid substitution p.Arg743Thr. To our knowledge, this variant has not been reported in the literature. This variant is reported in 0.080% of alleles in individuals of Ashkenazi Jewish descent in gnomAD. At this time, the clinical significance of this variant is uncertain due to the absence of conclusive functional and genetic evidence.

Illumina Laboratory Services, Illumina
Classification: Uncertain significance for Progressive familial intrahepatic cholestasis type 2. Last evaluated: 2018-01-12. Review status: criteria provided, single submitter. Criteria: ICSL Variant Classification Criteria 13 December 2019. Collection method: clinical testing. Allele origin: germline.

NM_003742.4(ABCB11):c.2228G>C (p.Arg743Thr)

Gene: ABCB11 (ATP binding cassette subfamily B member 11; minus strand). Cytogenetic location: 2q31.1.
Variant type: single nucleotide variant.
Coding change: c.2228G>C on transcript NM_003742.4 (MANE Select); coding-DNA position 2228, G replaced by C.
Protein change: p.Arg743Thr; replaces arginine 743 with threonine.
Molecular consequence: missense variant.
Genome position (GRCh38, 1-based): chr2:168,958,079, C>G on the plus strand (G>C on the coding strand, the complement: ABCB11 is on the minus strand). VCF-style: chr2-168958079-C-G. GRCh37 (hg19) VCF-style: chr2-169814589-C-G.
Other names: short protein forms R743T.
Identifiers: ClinVar variation 894109 (VCV000894109.5), dbSNP rs372228971, ClinGen allele CA1951322.